The following is an entry in ClinVar:

NM_005619.5(RTN2):c.1220G>A (p.Gly407Glu)

Genes: OPA3-RTN2 (OPA3-RTN2 readthrough; minus strand), RTN2 (reticulon 2; minus strand). Cytogenetic location: 19q13.32.
Variant type: single nucleotide variant.
Coding change: c.1220G>A on transcript NM_005619.5 (MANE Select); coding-DNA position 1220, G replaced by A.
Protein change: p.Gly407Glu; replaces glycine 407 with glutamic acid.
Molecular consequence: missense variant.
Genome position (GRCh38, 1-based): chr19:45,489,367, C>T on the plus strand (G>A on the coding strand, the complement: RTN2 is on the minus strand). VCF-style: chr19-45489367-C-T. GRCh37 (hg19) VCF-style: chr19-45992625-C-T.
Other names: c.1001G>A, p.Gly334Glu (NM_206900.3); c.200G>A, p.Gly67Glu (NM_206901.3); short protein forms G407E, G334E, G67E.
Identifiers: ClinVar variation 2058251 (VCV002058251.4), dbSNP rs1253268684, ClinGen allele CA406356162.

ClinVar aggregate classification (germline): Uncertain significance (1 of 4 stars; one submission).

Conditions:
Spastic paraplegia. Identifiers: MedGen C0037772, HP:0001258.

Allele frequency attached by ClinVar (database versions not stated): gnomAD 0.00001; TOPMed 0.00001.
gnomAD v4.1: 4 of 1,572,066 alleles (0.00025%); highest among the groups gnomAD compares: Middle Eastern, 0.017%; no homozygotes.

Submission:

Labcorp Genetics (formerly Invitae), Labcorp
Classification: Uncertain significance for Spastic paraplegia. Last evaluated: 2022-09-23. Review status: criteria provided, single submitter. Criteria: Invitae Variant Classification Sherloc (09022015). Collection method: clinical testing. Allele origin: germline.
Comment: In summary, the available evidence is currently insufficient to determine the role of this variant in disease. Therefore, it has been classified as a Variant of Uncertain Significance. Algorithms developed to predict the effect of sequence changes on RNA splicing suggest that this variant may create or strengthen a splice site. Algorithms developed to predict the effect of missense changes on protein structure and function are either unavailable or do not agree on the potential impact of this missense change (SIFT: "Tolerated"; PolyPhen-2: "Probably Damaging"; Align-GVGD: "Class C0"). This variant has not been reported in the literature in individuals affected with RTN2-related conditions. This variant is not present in population databases (gnomAD no frequency). This sequence change replaces glycine, which is neutral and non-polar, with glutamic acid, which is acidic and polar, at codon 407 of the RTN2 protein (p.Gly407Glu).